The following is an entry in ClinVar:

NM_004553.6(NDUFS6):c.230_233del (p.Val77fs)

Gene: NDUFS6 (NADH:ubiquinone oxidoreductase subunit S6; plus strand). Cytogenetic location: 5p15.33.
Variant type: Deletion.
Coding change: c.230_233del on transcript NM_004553.6 (MANE Select); coding-DNA positions 230 to 233, 4 bases deleted (TGAG; older notation c.230_233delTGAG).
Protein change: p.Val77fs; shifts the reading frame from valine 77.
Molecular consequence: frameshift variant.
Genome position (GRCh38, 1-based): chr5:1,814,382-1,814,385, TGAG deleted; deleting any 4 consecutive bases within chr5:1,814,381-1,814,385 gives the same sequence; the c. name uses the placement nearest the transcript's 3' end. VCF-style (leftmost placement, unchanged base first): chr5-1814380-CGTGA-C. GRCh37 (hg19) VCF-style: chr5-1814494-CGTGA-C.
Other names: short protein forms V77fs.
Identifiers: ClinVar variation 5004650 (VCV005004650.1).

ClinVar aggregate classification (germline): Pathogenic (1 of 4 stars; one submission).

Conditions:
Mitochondrial complex I deficiency, nuclear type 9. Also called: Mitochondrial complex 1 deficiency, nuclear type 9. Identifiers: MedGen C4748767, MONDO:0032615, OMIM 618232.

Submission:

Myriad Genetics, Inc.
Classification: Pathogenic for Mitochondrial complex I deficiency, nuclear type 9. Last evaluated: 2026-05-08. Review status: criteria provided, single submitter. Criteria: Myriad Autosomal Dominant, Autosomal Recessive and X-Linked Classification Criteria (2023). Collection method: clinical testing. Allele origin: unknown.
Comment: NM_004553.4(NDUFS6):c.230_233delTGAG(V77Afs*7) is a frameshift variant classified as pathogenic in the context of mitochondrial complex I deficiency, NDUFS6-related. V77Afs*7 has not been observed in cases with relevant disease. Relevant functional assessments of this variant are not available in the literature. V77Afs*7 has not been observed in referenced population frequency databases. In summary, NM_004553.4(NDUFS6):c.230_233delTGAG(V77Afs*7) is a frameshift variant in a gene where loss of function is a known mechanism of disease and is predicted to disrupt protein function. Please note: this variant was assessed in the context of healthy population screening.